The following is an entry in ClinVar:

NM_002890.3(RASA1):c.3060+1G>T

Genes: CCNH (cyclin H; minus strand), RASA1 (RAS p21 protein activator 1; plus strand). Cytogenetic location: 5q14.3.
Variant type: single nucleotide variant.
Coding change: c.3060+1G>T on transcript NM_002890.3 (MANE Select); the canonical splice donor site of the intron after coding-DNA position 3060, G replaced by T.
Molecular consequence: splice donor variant. On other transcripts: intron variant (1).
Genome position (GRCh38, 1-based): chr5:87,389,528, G>T. VCF-style: chr5-87389528-G-T. GRCh37 (hg19) VCF-style: chr5-86685345-G-T.
Other names: c.2529+1G>T (NM_022650.3); c.933+5516C>A (NM_001364075.2).
Identifiers: ClinVar variation 651453 (VCV000651453.7), dbSNP rs1580418269, ClinGen allele CA360388708.

ClinVar aggregate classification (germline): Uncertain significance (1 of 4 stars; one submission).

Conditions:
Capillary malformation-arteriovenous malformation syndrome. Also called: Capillary malformation-arteriovenous malformation. Identifiers: Orphanet 137667, MedGen C1842180, MONDO:0012016.

Submission:

Labcorp Genetics (formerly Invitae), Labcorp
Classification: Uncertain significance for Capillary malformation-arteriovenous malformation syndrome. Last evaluated: 2018-09-11. Review status: criteria provided, single submitter. Criteria: Invitae Variant Classification Sherloc (09022015). Collection method: clinical testing. Allele origin: germline.
Comment: This variant has not been reported in the literature in individuals with RASA1-related disease. This sequence change affects a donor splice site in the last intron (intron 24) of the RASA1 gene. While this is not anticipated to result in nonsense mediated decay, it likely alters RNA splicing and results in a disrupted protein product. This variant is not present in population databases (ExAC no frequency). Nucleotide substitutions within the consensus splice site are a relatively common cause of aberrant splicing (PMID: 17576681, 9536098). Algorithms developed to predict the effect of sequence changes on RNA splicing suggest that this variant may disrupt the consensus splice site, but this prediction has not been confirmed by published transcriptional studies. In summary, the available evidence is currently insufficient to determine the role of this variant in disease. Therefore, it has been classified as a Variant of Uncertain Significance.

Literature cited by the submitters: PubMed 17576681; PubMed 9536098.